The following is an entry in ClinVar:

NM_004333.6(BRAF):c.2140A>G (p.Ile714Val)

Gene: BRAF (B-Raf proto-oncogene, serine/threonine kinase; minus strand). Cytogenetic location: 7q34.
Variant type: single nucleotide variant.
Coding change: c.2140A>G on transcript NM_004333.6 (MANE Select); coding-DNA position 2140, A replaced by G.
Protein change: p.Ile714Val; replaces isoleucine 714 with valine.
Molecular consequence: missense variant. On other transcripts: intron variant (2).
Genome position (GRCh38, 1-based): chr7:140,734,758, T>C on the plus strand (A>G on the coding strand, the complement: BRAF is on the minus strand). VCF-style: chr7-140734758-T-C. GRCh37 (hg19) VCF-style: chr7-140434558-T-C.
Other names: c.2140A>G, p.Ile714Val (NM_001354609.2); c.2260A>G, p.Ile754Val (NM_001374244.1, NM_001374258.1); c.2149A>G, p.Ile717Val (NM_001378467.1); c.2074A>G, p.Ile692Val (NM_001378469.1); c.2038A>G, p.Ile680Val (NM_001378470.1); c.2029A>G, p.Ile677Val (NM_001378471.1); c.1984A>G, p.Ile662Val (NM_001378472.1, NM_001378473.1); c.1876A>G, p.Ile626Val (NM_001378475.1); and 1 more; short protein forms I662V, I677V, I714V, I754V, I626V, I680V, I717V, I692V.
Identifiers: ClinVar variation 1410272 (VCV001410272.8), dbSNP rs555976452, ClinGen allele CA4516527.

ClinVar aggregate classification (germline): Uncertain significance. Review status: criteria provided, multiple submitters, no conflicts (2 of 4 stars). 3 submissions from 3 submitters: Uncertain significance (3). Last evaluated 2025-11-15.

Conditions:
Melanoma, cutaneous malignant, susceptibility to, 1 (CMM1). Also called: B-K MOLE SYNDROME; MELANOMA, MALIGNANT; DYSPLASTIC NEVUS SYNDROME, HEREDITARY; FAMILIAL ATYPICAL MOLE-MALIGNANT MELANOMA SYNDROME. Identifiers: Orphanet 618, MedGen C1835047, MONDO:0007963, OMIM 155600.
LEOPARD syndrome 3 (LPRD3). Identifiers: Orphanet 500, MedGen C3150971, MONDO:0013380, OMIM 613707.
Noonan syndrome 7 (NS7). Also called: BRAF-Related Noonan Syndrome. Identifiers: Orphanet 648, MedGen C3150970, MONDO:0013379, OMIM 613706.
Colorectal cancer. Also called: Colorectal cancer, somatic; Malignant Colorectal Neoplasm. Identifiers: MedGen C0346629, MONDO:0005575, OMIM 114500.
Noonan syndrome 1 (NS1). Also called: FEMALE PSEUDO-TURNER SYNDROME; TURNER PHENOTYPE WITH NORMAL KARYOTYPE; PTPN11-Related Noonan Syndrome. Identifiers: Orphanet 648, MedGen C4551602, MONDO:0008104, OMIM 163950. Disease mechanism: gain of function.
Lung cancer. Also called: Malignant tumor of lung; Lung cancer, somatic. Identifiers: MedGen C0242379, MONDO:0008903, OMIM 211980.
Cardiofaciocutaneous syndrome 1 (CFC1). Also called: BRAF-Related Cardiofaciocutaneous Syndrome. Identifiers: Orphanet 1340, MedGen CN029449, MONDO:0007265, OMIM 115150. Disease mechanism: gain of function.
RASopathy. Also called: Noonan spectrum disorder; rasopathies. Identifiers: Orphanet 536391, MedGen C5555857, MONDO:0021060.

Allele frequency attached by ClinVar (database versions not stated): gnomAD exomes 0.00001; ExAC 0.00002; gnomAD 0.00003 and 0.00004; 1000 Genomes Project 30x 0.00016; 1000 Genomes Project 0.00020.
gnomAD v4.1: 13 of 1,391,426 alleles (0.00093%); highest among the groups gnomAD compares: South Asian, 0.0017%; no homozygotes.

Submissions (3):

Labcorp Genetics (formerly Invitae), Labcorp
Classification: Uncertain significance for RASopathy. Last evaluated: 2025-11-15. Review status: criteria provided, single submitter. Criteria: Invitae Variant Classification Sherloc (09022015). Collection method: clinical testing. Allele origin: germline.
Comment: This sequence change replaces isoleucine, which is neutral and non-polar, with valine, which is neutral and non-polar, at codon 714 of the BRAF protein (p.Ile714Val). This variant is present in population databases (rs555976452, gnomAD 0.004%). This variant has not been reported in the literature in individuals affected with BRAF-related conditions. ClinVar contains an entry for this variant (Variation ID: 1410272). Invitae Evidence Modeling of protein sequence and biophysical properties (such as structural, functional, and spatial information, amino acid conservation, physicochemical variation, residue mobility, and thermodynamic stability) indicates that this missense variant is not expected to disrupt BRAF protein function with a negative predictive value of 80%. In summary, the available evidence is currently insufficient to determine the role of this variant in disease. Therefore, it has been classified as a Variant of Uncertain Significance.

Women's Health and Genetics/Laboratory Corporation of America, LabCorp
Classification: Uncertain significance. Last evaluated: 2025-07-28. Review status: criteria provided, single submitter. Criteria: LabCorp Variant Classification Summary - May 2015. Collection method: clinical testing. Allele origin: germline.
Comment: Variant summary: BRAF c.2140A>G (p.Ile714Val) results in a conservative amino acid change in the encoded protein sequence. Algorithms developed to predict the effect of missense changes on protein structure and function are either unavailable or do not agree on the potential impact of this missense change. The variant allele was found at a frequency of 1.5e-05 in 202142 control chromosomes. The available data on variant occurrences in the general population are insufficient to allow any conclusion about variant significance. To our knowledge, no occurrence of c.2140A>G in individuals affected with Cardiofaciocutaneous Syndrome and no experimental evidence demonstrating its impact on protein function have been reported. ClinVar contains an entry for this variant (Variation ID: 1410272). Based on the evidence outlined above, the variant was classified as uncertain significance.

Fulgent Genetics
Classification: Uncertain significance for Colorectal cancer; Cardiofaciocutaneous syndrome 1; Melanoma, cutaneous malignant, susceptibility to, 1; Noonan syndrome 1; Lung cancer; Noonan syndrome 7; LEOPARD syndrome 3. Last evaluated: 2021-12-28. Review status: criteria provided, single submitter. Criteria: ACMG Guidelines, 2015. Collection method: clinical testing. Allele origin: unknown.